The following is an entry in ClinVar:

NM_000540.3(RYR1):c.12277del (p.Gln4093fs)

Gene: RYR1 (ryanodine receptor 1; plus strand). Cytogenetic location: 19q13.2.
Variant type: Deletion.
Coding change: c.12277del on transcript NM_000540.3 (MANE Select); coding-DNA position 12277, one base deleted (C; older notation c.12277delC).
Protein change: p.Gln4093fs; shifts the reading frame from glutamine 4093.
Molecular consequence: frameshift variant.
Genome position (GRCh38, 1-based): chr19:38,548,415, C deleted; the last of 2 consecutive C bases (chr19:38,548,414-38,548,415); deleting either gives the same sequence. VCF-style (leftmost placement, unchanged base first): chr19-38548413-TC-T. GRCh37 (hg19) VCF-style: chr19-39039053-TC-T.
Other names: c.12262del, p.Gln4088fs (NM_001042723.2); short protein forms Q4088fs, Q4093fs.
Identifiers: ClinVar variation 2798732 (VCV002798732.3), dbSNP rs2514601212, ClinGen allele CA2739276722.

ClinVar aggregate classification (germline): Pathogenic (1 of 4 stars; one submission).

Conditions:
RYR1-related disorder. Also called: RYR1-related condition; RYR1-related disorders. Identifiers: MedGen CN239331.

Submission:

Labcorp Genetics (formerly Invitae), Labcorp
Classification: Pathogenic for RYR1-related disorder. Last evaluated: 2023-04-17. Review status: criteria provided, single submitter. Criteria: Invitae Variant Classification Sherloc (09022015). Collection method: clinical testing. Allele origin: germline.
Comment: This sequence change creates a premature translational stop signal (p.Gln4093Argfs*29) in the RYR1 gene. It is expected to result in an absent or disrupted protein product. Loss-of-function variants in RYR1 are known to be pathogenic (PMID: 23919265, 25960145, 28818389, 30611313). This variant is not present in population databases (gnomAD no frequency). This variant has not been reported in the literature in individuals affected with RYR1-related conditions. For these reasons, this variant has been classified as Pathogenic.

Literature cited by the submitters: PubMed 23919265; PubMed 25960145; PubMed 28818389; PubMed 30611313.